The following is an entry in ClinVar:

ClinVar aggregate classification (germline): Uncertain significance (1 of 4 stars; one submission).

Conditions:
Achondrogenesis, type IA (ACG1A). Identifiers: Orphanet 932, Orphanet 93299, MedGen C0265273, MONDO:0008701, OMIM 200600.

Submission:

Labcorp Genetics (formerly Invitae), Labcorp
Classification: Uncertain significance for Achondrogenesis, type IA. Last evaluated: 2025-08-21. Review status: criteria provided, single submitter. Criteria: Invitae Variant Classification Sherloc (09022015). Collection method: clinical testing. Allele origin: germline.
Comment: This sequence change replaces glutamic acid with lysine at codon 734 of the TRIP11 protein (p.Glu734Lys). The glutamic acid residue is moderately conserved and there is a small physicochemical difference between glutamic acid and lysine. This variant is not present in population databases (gnomAD no frequency). This variant has not been reported in the literature in individuals affected with TRIP11-related conditions. ClinVar contains an entry for this variant (Variation ID: 1480732). Invitae Evidence Modeling of protein sequence and biophysical properties (such as structural, functional, and spatial information, amino acid conservation, physicochemical variation, residue mobility, and thermodynamic stability) indicates that this missense variant is not expected to disrupt TRIP11 protein function with a negative predictive value of 80%. In summary, the available evidence is currently insufficient to determine the role of this variant in disease. Therefore, it has been classified as a Variant of Uncertain Significance.

NM_004239.4(TRIP11):c.2200G>A (p.Glu734Lys)

Gene: TRIP11 (thyroid hormone receptor interactor 11; minus strand). Cytogenetic location: 14q32.12.
Variant type: single nucleotide variant.
Coding change: c.2200G>A on transcript NM_004239.4 (MANE Select); coding-DNA position 2200, G replaced by A.
Protein change: p.Glu734Lys; replaces glutamic acid 734 with lysine.
Molecular consequence: missense variant.
Genome position (GRCh38, 1-based): chr14:92,005,776, C>T on the plus strand (G>A on the coding strand, the complement: TRIP11 is on the minus strand). VCF-style: chr14-92005776-C-T. GRCh37 (hg19) VCF-style: chr14-92472120-C-T.
Other names: c.2197G>A, p.Glu733Lys (NM_001321851.1); short protein forms E733K, E734K.
Identifiers: ClinVar variation 1480732 (VCV001480732.6), dbSNP rs2140119189, ClinGen allele CA390658303.